The following is an entry in ClinVar:

ClinVar aggregate classification (germline): Likely pathogenic (1 of 4 stars; one submission).

Conditions:
ZFHX3-related syndromic intellectual disability.

Submission:

Division of Genetic & Genomic Pathology, Hong Kong Children's Hospital
Classification: Likely pathogenic for ZFHX3-related syndromic intellectual disability. Last evaluated: 2025-07-16. Review status: criteria provided, single submitter. Criteria: ACMG Guidelines, 2015. Collection method: clinical testing. Allele origin: germline. Affected: yes.
Comment: ZFHX3 c.7700_7705delinsTCAAGGC p.(Asp2567Valfs*12) is a delins variant in exon 9 (out of 10 exons). It causes frameshift and is predicted to result in loss of protein function by nonsense-mediated mRNA decay. ZFHX3 is a gene intolerant to loss of function variants (pLI score of 1 and LOEUF score of 0.19 in gnomAD v4.1.0) and haploinsufficiency is the proposed disease mechanism for ZFHX3-related syndromic intellectual disability (PMID: 38412861). This variant is absent in population control databases (gnomAD v4.1.0) and clinical databases (ClinVar and HGMD Professional 2025.2). For these reasons, the variant is classified as likely pathogenic.

Literature cited by the submitters: PubMed 38412861.

NM_006885.4(ZFHX3):c.7700_7705delinsTCAAGGC (p.Asp2567fs)

Genes: ZFHX3 (zinc finger homeobox 3; minus strand), ZFHX3-AS1 (ZFHX3 antisense RNA 1; plus strand). Cytogenetic location: 16q22.2.
Variant type: Indel.
Coding change: c.7700_7705delinsTCAAGGC on transcript NM_006885.4 (MANE Select); coding-DNA positions 7700 to 7705, ACAGGT replaced by TCAAGGC.
Protein change: p.Asp2567fs; shifts the reading frame from aspartic acid 2567.
Molecular consequence: frameshift variant.
Genome position (GRCh38, 1-based): chr16:72,794,977-72,794,982, ACCTGT replaced by GCCTTGA on the plus strand (ACAGGT replaced by TCAAGGC on the coding strand, the reverse complement: ZFHX3 is on the minus strand). VCF-style: chr16-72794977-ACCTGT-GCCTTGA. GRCh37 (hg19) VCF-style: chr16-72828876-ACCTGT-GCCTTGA.
Other names: c.4958_4963delinsTCAAGGC, p.Asp1653fs (NM_001164766.2); c.7700_7705delinsTCAAGGC, p.Asp2567fs (NM_001386735.1); short protein forms D1653fs, D2567fs.
Identifiers: ClinVar variation 5020092 (VCV005020092.1).